The following is an entry in ClinVar:

NM_021975.4(RELA):c.1539A>G (p.Pro513=)

Gene: RELA (RELA proto-oncogene, NF-kB subunit; minus strand). Cytogenetic location: 11q13.1.
Variant type: single nucleotide variant.
Coding change: c.1539A>G on transcript NM_021975.4 (MANE Select); coding-DNA position 1539, A replaced by G.
Protein change: p.Pro513=; no amino-acid change (proline 513 retained).
Molecular consequence: synonymous variant.
Genome position (GRCh38, 1-based): chr11:65,654,495, T>C on the plus strand (A>G on the coding strand, the complement: RELA is on the minus strand). VCF-style: chr11-65654495-T-C. GRCh37 (hg19) VCF-style: chr11-65421966-T-C.
Other names: c.1530A>G, p.Pro510= (NM_001145138.2); c.1332A>G, p.Pro444= (NM_001243984.2); c.1230A>G, p.Pro410= (NM_001243985.2); c.1539A>G (NM_021975.3).
Identifiers: ClinVar variation 1625390 (VCV001625390.11), dbSNP rs373898242, ClinGen allele CA6106579.

ClinVar aggregate classification (germline): Likely benign. Review status: criteria provided, multiple submitters, no conflicts (2 of 4 stars). 3 submissions from 3 submitters: Likely benign (2). 1 of the submissions does not count toward it. Last evaluated 2026-01-06.

Conditions:
RELA-related disorder. Also called: RELA-related condition.

Allele frequency attached by ClinVar (database versions not stated): ESP Exome Variant Server 0.00008; ExAC 0.00009; gnomAD 0.00011 and 0.00012; TOPMed 0.00011; gnomAD exomes 0.00012 and 0.00021.
gnomAD v4.1: 318 of 1,602,048 alleles (0.02%); highest among the groups gnomAD compares: Non-Finnish European, 0.025%; no homozygotes.

Submissions (3):

Labcorp Genetics (formerly Invitae), Labcorp
Classification: Likely benign. Last evaluated: 2026-01-06. Review status: criteria provided, single submitter. Criteria: Invitae Variant Classification Sherloc (09022015). Collection method: clinical testing. Allele origin: germline.

Blueprint Genetics
Classification: Likely benign. Last evaluated: 2024-11-08. Review status: criteria provided, single submitter. Criteria: ACMG Guidelines, 2015. Collection method: clinical testing. Allele origin: germline.

PreventionGenetics, part of Exact Sciences
Classification: Likely benign for RELA-related condition. Last evaluated: 2023-05-09. Review status: no assertion criteria provided. Collection method: clinical testing. Allele origin: germline. Not counted in ClinVar's aggregate classification.
Comment: This variant is classified as likely benign based on ACMG/AMP sequence variant interpretation guidelines (Richards et al. 2015 PMID: 25741868, with internal and published modifications).